The following is an entry in ClinVar:

NM_006231.4(POLE):c.1248_1250del (p.Leu417del)

Gene: POLE (DNA polymerase epsilon, catalytic subunit; minus strand). Cytogenetic location: 12q24.33.
Variant type: Deletion.
Coding change: c.1248_1250del on transcript NM_006231.4 (MANE Select); coding-DNA positions 1248 to 1250, 3 bases deleted (CCT; older notation c.1248_1250delCCT).
Protein change: p.Leu417del; deletes leucine 417.
Molecular consequence: inframe deletion.
Genome position (GRCh38, 1-based): chr12:132,673,684-132,673,686, AGG deleted on the plus strand (CCT on the coding strand, the reverse complement: POLE is on the minus strand). VCF-style (leftmost placement, unchanged base first): chr12-132673683-AAGG-A. GRCh37 (hg19) VCF-style: chr12-133250269-AAGG-A.
Other names: short protein forms L417del.
Identifiers: ClinVar variation 1382210 (VCV001382210.8), dbSNP rs2136000604, ClinGen allele CA2573148335.

ClinVar aggregate classification (germline): Uncertain significance (1 of 4 stars; one submission).

Submission:

Labcorp Genetics (formerly Invitae), Labcorp
Classification: Uncertain significance. Last evaluated: 2021-03-26. Review status: criteria provided, single submitter. Criteria: Invitae Variant Classification Sherloc (09022015). Collection method: clinical testing. Allele origin: germline.
Comment: In summary, the available evidence is currently insufficient to determine the role of this variant in disease. Therefore, it has been classified as a Variant of Uncertain Significance. Experimental studies and prediction algorithms are not available or were not evaluated, and the functional significance of this variant is currently unknown. This variant has not been reported in the literature in individuals with POLE-related conditions. This variant is not present in population databases (ExAC no frequency). This variant, c.1248_1250del, results in the deletion of 1 amino acid(s) of the POLE protein (p.Leu417del), but otherwise preserves the integrity of the reading frame.